The following is an entry in ClinVar:

NM_002227.4(JAK1):c.2665G>A (p.Val889Ile)

Gene: JAK1 (Janus kinase 1; minus strand). Cytogenetic location: 1p31.3.
Variant type: single nucleotide variant.
Coding change: c.2665G>A on transcript NM_002227.4 (MANE Select); coding-DNA position 2665, G replaced by A.
Protein change: p.Val889Ile; replaces valine 889 with isoleucine.
Molecular consequence: missense variant.
Genome position (GRCh38, 1-based): chr1:64,839,780, C>T on the plus strand (G>A on the coding strand, the complement: JAK1 is on the minus strand). VCF-style: chr1-64839780-C-T. GRCh37 (hg19) VCF-style: chr1-65305463-C-T.
Other names: c.2665G>A, p.Val889Ile (NM_001320923.2, NM_001321852.2, NM_001321853.2 and 3 more transcripts); c.2662G>A, p.Val888Ile (NM_001321857.2); short protein forms V889I, V888I.
Identifiers: ClinVar variation 4700616 (VCV004700616.1).

ClinVar aggregate classification (germline): Uncertain significance (1 of 4 stars; one submission).

gnomAD v4.1: 1 of 1,608,674 alleles (0.000062%); highest among the groups gnomAD compares: Admixed American, 0.0017%; no homozygotes.

Submission:

Labcorp Genetics (formerly Invitae), Labcorp
Classification: Uncertain significance. Last evaluated: 2026-01-28. Review status: criteria provided, single submitter. Criteria: Invitae Variant Classification Sherloc (09022015). Collection method: clinical testing. Allele origin: germline.
Comment: This sequence change replaces valine, which is neutral and non-polar, with isoleucine, which is neutral and non-polar, at codon 889 of the JAK1 protein (p.Val889Ile). This variant is present in population databases (no rsID available, gnomAD 0.003%). This variant has not been reported in the literature in individuals affected with JAK1-related conditions. Invitae Evidence Modeling of protein sequence and biophysical properties (such as structural, functional, and spatial information, amino acid conservation, physicochemical variation, residue mobility, and thermodynamic stability) indicates that this missense variant is expected to disrupt JAK1 protein function with a positive predictive value of 80%. In summary, the available evidence is currently insufficient to determine the role of this variant in disease. Therefore, it has been classified as a Variant of Uncertain Significance.